The following is an entry in ClinVar:

NM_001278064.2(GRM1):c.3479C>G (p.Ser1160Trp)

Gene: GRM1 (glutamate metabotropic receptor 1; plus strand). Cytogenetic location: 6q24.3.
Variant type: single nucleotide variant.
Coding change: c.3479C>G on transcript NM_001278064.2 (MANE Select); coding-DNA position 3479, C replaced by G.
Protein change: p.Ser1160Trp; replaces serine 1160 with tryptophan.
Molecular consequence: missense variant. On other transcripts: 3 prime UTR variant (3).
Genome position (GRCh38, 1-based): chr6:146,434,690, C>G. VCF-style: chr6-146434690-C-G. GRCh37 (hg19) VCF-style: chr6-146755826-C-G.
Other names: c.*843C>G (NM_001278065.2); c.*808C>G (NM_001278066.1); c.*717C>G (NM_001278067.1); short protein forms S1160W.
Identifiers: ClinVar variation 1307916 (VCV001307916.16), dbSNP rs1778538011, ClinGen allele CA366193874.

ClinVar aggregate classification (germline): Uncertain significance. Review status: criteria provided, multiple submitters, no conflicts (2 of 4 stars). 2 submissions from 2 submitters: Uncertain significance (2). Last evaluated 2024-10-01.

Allele frequency attached by ClinVar (database versions not stated): TOPMed below 0.00001.
gnomAD v4.1: 2 of 1,605,150 alleles (0.00012%); highest among the groups gnomAD compares: Non-Finnish European, 0.00017%; no homozygotes.

Submissions (2):

CeGaT Center for Human Genetics Tuebingen
Classification: Uncertain significance. Last evaluated: 2024-10-01. Review status: criteria provided, single submitter. Criteria: CeGaT Center For Human Genetics Tuebingen Variant Classification Criteria Version 2. Collection method: clinical testing. Allele origin: germline. Affected: yes. Observed: 1 variant allele.
Comment: GRM1: PM2

GeneDx
Classification: Uncertain significance. Last evaluated: 2019-08-23. Review status: criteria provided, single submitter. Criteria: GeneDx Variant Classification Process June 2021. Collection method: clinical testing. Allele origin: germline. Affected: yes.
Comment: Not observed in large population cohorts (Lek et al., 2016); In silico analysis, which includes protein predictors and evolutionary conservation, supports that this variant does not alter protein structure/function; Has not been previously published as pathogenic or benign to our knowledge